The following is an entry in ClinVar:

ClinVar aggregate classification (germline): Uncertain significance. Review status: criteria provided, multiple submitters, no conflicts (2 of 4 stars). 2 submissions from 2 submitters: Uncertain significance (2). Last evaluated 2023-08-25.

Conditions:
Inborn genetic diseases. Identifiers: MedGen C0950123, MeSH D030342.

Submissions (2):

Ambry Genetics
Classification: Uncertain significance for Inborn genetic diseases. Last evaluated: 2023-08-25. Review status: criteria provided, single submitter. Criteria: Ambry Variant Classification Scheme 2023. Collection method: clinical testing. Allele origin: germline.
Comment: The p.K223T variant (also known as c.668A>C), located in coding exon 8 of the ERCC2 gene, results from an A to C substitution at nucleotide position 668. The lysine at codon 223 is replaced by threonine, an amino acid with similar properties. This amino acid position is conserved. In addition, the in silico prediction for this alteration is inconclusive. Since supporting evidence is limited at this time, the clinical significance of this alteration remains unclear.

Labcorp Genetics (formerly Invitae), Labcorp
Classification: Uncertain significance. Last evaluated: 2021-04-30. Review status: criteria provided, single submitter. Criteria: Invitae Variant Classification Sherloc (09022015). Collection method: clinical testing. Allele origin: germline.
Comment: In summary, the available evidence is currently insufficient to determine the role of this variant in disease. Therefore, it has been classified as a Variant of Uncertain Significance. Algorithms developed to predict the effect of missense changes on protein structure and function are either unavailable or do not agree on the potential impact of this missense change (SIFT: "Deleterious"; PolyPhen-2: "Probably Damaging"; Align-GVGD: "Class C0"). This variant has not been reported in the literature in individuals with ERCC2-related conditions. This variant is not present in population databases (ExAC no frequency). This sequence change replaces lysine with threonine at codon 223 of the ERCC2 protein (p.Lys223Thr). The lysine residue is moderately conserved and there is a moderate physicochemical difference between lysine and threonine.

NM_000400.4(ERCC2):c.668A>C (p.Lys223Thr)

Gene: ERCC2 (ERCC excision repair 2, TFIIH core complex helicase subunit; minus strand). Cytogenetic location: 19q13.32.
Variant type: single nucleotide variant.
Coding change: c.668A>C on transcript NM_000400.4 (MANE Select); coding-DNA position 668, A replaced by C.
Protein change: p.Lys223Thr; replaces lysine 223 with threonine.
Molecular consequence: missense variant.
Genome position (GRCh38, 1-based): chr19:45,364,474, T>G on the plus strand (A>C on the coding strand, the complement: ERCC2 is on the minus strand). VCF-style: chr19-45364474-T-G. GRCh37 (hg19) VCF-style: chr19-45867732-T-G.
Other names: c.668A>C (NM_000400.3); c.596A>C, p.Lys199Thr (NM_001130867.2); short protein forms K199T, K223T.
Identifiers: ClinVar variation 1485886 (VCV001485886.9), dbSNP rs1972352059, ClinGen allele CA406374372.
Genomic context (GRCh38, chr19:45,364,474, plus strand): 5'-CCCCCCTCACCAATGTTGTGGGCCTCGTCGAAGACCACGACGGCCTTGCGGGCCAGTTCC[T>G]TGGACACCAGGTCTGCAATCTTGGGGTCCAGGAGGTAGTGGTAGCTATAAACCACCACAT-3'
Protein context (NP_000391.1, residues 213-233): LDPKIADLVS[Lys223Thr]ELARKAVVVF